The following is an entry in ClinVar:

ClinVar aggregate classification (germline): Pathogenic (1 of 4 stars; one submission).

Conditions:
Granulomatous disease, chronic, autosomal recessive, cytochrome b-positive, type 2. Also called: Chronic granulomatous disease due to deficiency of NCF-2; Chronic Granulomatous Disease, Autosomal Recessive, Cytochrome b-Positive, Type II; GRANULOMATOUS DISEASE, CHRONIC, AUTOSOMAL RECESSIVE, 2; CGD, AUTOSOMAL RECESSIVE CYTOCHROME b-POSITIVE, TYPE II; GRANULOMATOUS DISEASE, CHRONIC, DUE TO NCF2 DEFICIENCY. Identifiers: Orphanet 379, MedGen C1856245, MONDO:0009310, OMIM 233710.

Submission:

Labcorp Genetics (formerly Invitae), Labcorp
Classification: Pathogenic for Granulomatous disease, chronic, autosomal recessive, cytochrome b-positive, type 2. Last evaluated: 2020-12-08. Review status: criteria provided, single submitter. Criteria: Invitae Variant Classification Sherloc (09022015). Collection method: clinical testing. Allele origin: germline.
Comment: For these reasons, this variant has been classified as Pathogenic. This variant has not been reported in the literature in individuals with NCF2-related conditions. This variant is not present in population databases (ExAC no frequency). This sequence change creates a premature translational stop signal (p.Trp10*) in the NCF2 gene. It is expected to result in an absent or disrupted protein product. Loss-of-function variants in NCF2 are known to be pathogenic (PMID: 10498624, 20167518).

Literature cited by the submitters: PubMed 10498624; PubMed 20167518.

NM_000433.4(NCF2):c.30G>A (p.Trp10Ter)

Gene: NCF2 (neutrophil cytosolic factor 2; minus strand). Cytogenetic location: 1q25.3.
Variant type: single nucleotide variant.
Coding change: c.30G>A on transcript NM_000433.4 (MANE Select); coding-DNA position 30, G replaced by A.
Protein change: p.Trp10Ter; replaces tryptophan 10 with a stop codon.
Molecular consequence: nonsense.
Genome position (GRCh38, 1-based): chr1:183,590,300, C>T on the plus strand (G>A on the coding strand, the complement: NCF2 is on the minus strand). VCF-style: chr1-183590300-C-T. GRCh37 (hg19) VCF-style: chr1-183559435-C-T.
Other names: c.30G>A, p.Trp10Ter (NM_001127651.3, NM_001190789.2, NM_001190794.2); short protein forms W10*.
Identifiers: ClinVar variation 1408244 (VCV001408244.6), dbSNP rs2102942512, ClinGen allele CA343685252.